The following is an entry in ClinVar:

NM_001003694.2(BRPF1):c.2255del (p.Gly752fs)

Gene: BRPF1 (bromodomain and PHD finger containing 1; plus strand). Cytogenetic location: 3p25.3.
Variant type: Deletion.
Coding change: c.2255del on transcript NM_001003694.2 (MANE Select); coding-DNA position 2255, one base deleted (G; older notation c.2255delG).
Protein change: p.Gly752fs; shifts the reading frame from glycine 752.
Molecular consequence: frameshift variant. On other transcripts: non-coding transcript variant (1).
Genome position (GRCh38, 1-based): chr3:9,743,197, G deleted; the last of 3 consecutive G bases (chr3:9,743,195-9,743,197); deleting any one gives the same sequence. VCF-style (leftmost placement, unchanged base first): chr3-9743194-CG-C. GRCh37 (hg19) VCF-style: chr3-9784878-CG-C.
Other names: c.2237del, p.Gly746fs (NM_001319049.2, NM_001319050.2, NM_004634.3); short protein forms G746fs, G752fs.
Identifiers: ClinVar variation 1098370 (VCV001098370.2), dbSNP rs2125508404, ClinGen allele CA2499217005.

ClinVar aggregate classification (germline): Pathogenic (1 of 4 stars; one submission).

Submission:

Genetics Laboratory, UDIAT-Centre Diagnòstic, Hospital Universitari Parc Tauli
Classification: Pathogenic. Last evaluated: 2021-04-26. Review status: criteria provided, single submitter. Criteria: Parc Tauli Hospital Assertion Criteria 2021. Collection method: clinical testing. Allele origin: de novo. Inheritance: Autosomal dominant inheritance. Affected: yes. Observed: 1 heterozygote.
Comment: PVS1_very strong;PM2_supporting;PM6_moderate;PP3_supporting